The following is an entry in ClinVar:

NM_001130987.2(DYSF):c.4817T>G (p.Phe1606Cys)

Gene: DYSF (dysferlin; plus strand). Cytogenetic location: 2p13.2.
Variant type: single nucleotide variant.
Coding change: c.4817T>G on transcript NM_001130987.2 (MANE Select); coding-DNA position 4817, T replaced by G.
Protein change: p.Phe1606Cys; replaces phenylalanine 1606 with cysteine.
Molecular consequence: missense variant.
Genome position (GRCh38, 1-based): chr2:71,658,939, T>G. VCF-style: chr2-71658939-T-G. GRCh37 (hg19) VCF-style: chr2-71886069-T-G.
Other names: c.4796T>G, p.Phe1599Cys (NM_001130982.2); c.4766T>G, p.Phe1589Cys (NM_001130983.2); c.4724T>G, p.Phe1575Cys (NM_001130984.2); c.4754T>G, p.Phe1585Cys (NM_001130985.2); c.4661T>G, p.Phe1554Cys (NM_001130986.2); c.4700T>G, p.Phe1567Cys (NM_003494.4); c.4658T>G, p.Phe1553Cys (NM_001130976.2); c.4721T>G, p.Phe1574Cys (NM_001130977.2); and 5 more; short protein forms F1553C, F1554C, F1567C, F1568C, F1574C, F1575C, F1584C, F1585C.
Identifiers: ClinVar variation 4885328 (VCV004885328.2).
Genomic context (GRCh38, chr2:71,658,939, plus strand): 5'-GCCTCTTCAAAATTTATCCCCTCCCAGAAGACCCAGCCATCCCCATGCCCCCAAGACAGT[T>G]CCACCAGCTGGCCGCCCAGGGACCCCAGGAGTGCTTGGTCCGTATCTACATTGTCCGAGC-3'
Protein context (NP_001124459.1, residues 1596-1616): DPAIPMPPRQ[Phe1606Cys]HQLAAQGPQE

ClinVar aggregate classification (germline): Uncertain significance (1 of 4 stars; one submission).

Submission:

Dasa
Classification: Uncertain significance. Last evaluated: 2025-10-09. Review status: criteria provided, single submitter. Criteria: DASA Assertion Criteria. Collection method: clinical testing. Allele origin: germline.
Comment: NM_001130987.2(DYSF):c.4817T>G (p.Phe1606Cys) is a missense variant that results in the substitution of phenylalanine with cysteine. This variant is absent from population databases. Computational prediction algorithms are consistent with a deleterious effect. The currently available literature and clinical evidence are not sufficient to establish a definitive association between this variant and the reported condition. Therefore, this variant is classified as a variant of uncertain significance.